The following is an entry in ClinVar:

NC_000001.11:g.12617576_12621501del

Gene: DHRS3 (dehydrogenase/reductase 3; minus strand). Cytogenetic location: 1p36.21.
Variant type: Deletion.
Genome position: GRCh38: chr1:12,617,576-12,621,501.
Identifiers: ClinVar variation 3600354 (VCV003600354.2).

ClinVar aggregate classification (germline): Pathogenic (0 of 4 stars; one submission).

Conditions:
DHRS3 Deficiency.

Submission:

Wilkie Group, Clinical Genetics Lab, WIMM, University of Oxford
Classification: Pathogenic for DHRS3 Deficiency. Last evaluated: 2025-01-22. Review status: no assertion criteria provided. Collection method: research. Allele origin: germline. Affected: yes. Observed: 2 variant alleles, 2 homozygotes.

Literature cited by the submitters: PubMed 37946251.